The following is an entry in ClinVar:

ClinVar aggregate classification (germline): Uncertain significance (1 of 4 stars; one submission).

Conditions:
Inborn genetic diseases. Identifiers: MedGen C0950123, MeSH D030342.

Submission:

Ambry Genetics
Classification: Uncertain significance for Inborn genetic diseases. Last evaluated: 2021-04-28. Review status: criteria provided, single submitter. Criteria: Ambry Variant Classification Scheme 2023. Collection method: clinical testing. Allele origin: germline.
Comment: The c.2704G>T (p.A902S) alteration is located in exon 19 (coding exon 19) of the DYNC2H1 gene. This alteration results from a G to T substitution at nucleotide position 2704, causing the alanine (A) at amino acid position 902 to be replaced by a serine (S). Based on data from the Genome Aggregation Database (gnomAD), the DYNC2H1 c.2704G>T alteration was not observed, with coverage at this position. This amino acid position is not well conserved in available vertebrate species. The p.A902S alteration is predicted to be tolerated by in silico analysis. Based on insufficient or conflicting evidence, the clinical significance of this alteration remains unclear.

NM_001377.3(DYNC2H1):c.2704G>T (p.Ala902Ser)

Gene: DYNC2H1 (dynein cytoplasmic 2 heavy chain 1; plus strand). Cytogenetic location: 11q22.3.
Variant type: single nucleotide variant.
Coding change: c.2704G>T on transcript NM_001377.3 (MANE Select); coding-DNA position 2704, G replaced by T.
Protein change: p.Ala902Ser; replaces alanine 902 with serine.
Molecular consequence: missense variant.
Genome position (GRCh38, 1-based): chr11:103,147,773, G>T. VCF-style: chr11-103147773-G-T. GRCh37 (hg19) VCF-style: chr11-103018502-G-T.
Other names: c.2704G>T, p.Ala902Ser (NM_001080463.2); short protein forms A902S.
Identifiers: ClinVar variation 2230271 (VCV002230271.2), dbSNP rs1591315802, ClinGen allele CA382265934.
Genomic context (GRCh38, chr11:103,147,773, plus strand): 5'-GACTCTTTTCCTCTAATTAGTCTTTTCCATGTCAAAATATGTCCATTGACATTTTTCAGT[G>T]CTGTCAAGGTAGATTGTTTAAATATTAATTGCAACCCTGTGAAGACTGTGATTGATGATC-3'
Protein context (NP_001368.2, residues 892-912): KGKEVERLPS[Ala902Ser]VKVDCLNINC